The following is an entry in ClinVar:

NM_003070.5(SMARCA2):c.4254-3C>T

Gene: SMARCA2 (SWI/SNF related BAF chromatin remodeling complex subunit ATPase 2; plus strand). Cytogenetic location: 9p24.3.
Variant type: single nucleotide variant.
Coding change: c.4254-3C>T on transcript NM_003070.5 (MANE Select); 3 bases into the intron before coding-DNA position 4254, C replaced by T.
Molecular consequence: intron variant.
Genome position (GRCh38, 1-based): chr9:2,181,568, C>T. VCF-style: chr9-2181568-C-T. GRCh37 (hg19) VCF-style: chr9-2181568-C-T.
Other names: c.4200-3C>T (NM_139045.4); c.4026-3C>T (NM_001289397.2); c.4254-3C>T (NM_001289396.2); c.228-3C>T (NM_001289398.2); c.318-3C>T (NM_001289400.2); c.312-3C>T (NM_001289399.2).
Identifiers: ClinVar variation 1691817 (VCV001691817.3), dbSNP rs2129875725, ClinGen allele CA2573143521.

ClinVar aggregate classification (germline): Uncertain significance (1 of 4 stars; one submission).

Allele frequency attached by ClinVar (database versions not stated): gnomAD exomes below 0.00001.
gnomAD v4.1: 3 of 1,504,700 alleles (0.0002%); highest among the groups gnomAD compares: Non-Finnish European, 0.00028%; no homozygotes.

Submission:

GeneDx
Classification: Uncertain significance. Last evaluated: 2024-11-11. Review status: criteria provided, single submitter. Criteria: GeneDx Variant Classification Process June 2021. Collection method: clinical testing. Allele origin: germline. Affected: yes.
Comment: Not observed at significant frequency in large population cohorts (gnomAD); In silico analysis indicates that this variant does not alter splicing; Has not been previously published as pathogenic or benign to our knowledge